The following is an entry in ClinVar:

NM_007118.4(TRIO):c.1448C>A (p.Ala483Asp)

Gene: TRIO (trio Rho guanine nucleotide exchange factor; plus strand). Cytogenetic location: 5p15.2.
Variant type: single nucleotide variant.
Coding change: c.1448C>A on transcript NM_007118.4 (MANE Select); coding-DNA position 1448, C replaced by A.
Protein change: p.Ala483Asp; replaces alanine 483 with aspartic acid.
Molecular consequence: missense variant. On other transcripts: non-coding transcript variant (1).
Genome position (GRCh38, 1-based): chr5:14,304,540, C>A. VCF-style: chr5-14304540-C-A. GRCh37 (hg19) VCF-style: chr5-14304649-C-A.
Other names: short protein forms A483D.
Identifiers: ClinVar variation 3360233 (VCV003360233.1).
Genomic context (GRCh38, chr5:14,304,540, plus strand): 5'-CATGGTGTAAAGCTTGCGGTGAGGTAGACCTTCCCTCAGAGCTGCAGGACCTAGAAGATG[C>A]CATTCATCACCACCAGGGAATATATGAACATATCACTCTTGCTTATTCTGAGGTAAGTGG-3'
Protein context (NP_009049.2, residues 473-493): LPSELQDLED[Ala483Asp]IHHHQGIYEH

ClinVar aggregate classification (germline): Uncertain significance (1 of 4 stars; one submission).

Submission:

GeneDx
Classification: Uncertain significance. Last evaluated: 2023-06-22. Review status: criteria provided, single submitter. Criteria: GeneDx Variant Classification Process June 2021. Collection method: clinical testing. Allele origin: germline. Affected: yes.
Comment: Not observed at significant frequency in large population cohorts (gnomAD); In silico analysis supports that this missense variant has a deleterious effect on protein structure/function; Has not been previously published as pathogenic or benign to our knowledge